The following is an entry in ClinVar:

NM_001277115.2(DNAH11):c.10781C>A (p.Pro3594Gln)

Gene: DNAH11 (dynein axonemal heavy chain 11; plus strand). Cytogenetic location: 7p15.3.
Variant type: single nucleotide variant.
Coding change: c.10781C>A on transcript NM_001277115.2 (MANE Select); coding-DNA position 10781, C replaced by A.
Protein change: p.Pro3594Gln; replaces proline 3594 with glutamine.
Molecular consequence: missense variant.
Genome position (GRCh38, 1-based): chr7:21,842,633, C>A. VCF-style: chr7-21842633-C-A. GRCh37 (hg19) VCF-style: chr7-21882251-C-A.
Other names: c.10802C>A, p.Pro3601Gln (NM_003777.3); c.10781C>A (NM_001277115.1); short protein forms P3594Q, P3601Q.
Identifiers: ClinVar variation 2063436 (VCV002063436.5), dbSNP rs770336845, ClinGen allele CA366956796.

ClinVar aggregate classification (germline): Uncertain significance. Review status: criteria provided, multiple submitters, no conflicts (2 of 4 stars). 2 submissions from 2 submitters: Uncertain significance (2). Last evaluated 2026-08-03.

Conditions:
Primary ciliary dyskinesia. Also called: Ciliary dyskinesia. Identifiers: Orphanet 244, MedGen C0008780, MONDO:0016575, HP:0012265.

gnomAD v4.1: 7 of 1,613,766 alleles (0.00043%); highest among the groups gnomAD compares: Non-Finnish European, 0.00059%; no homozygotes.

Submissions (2):

Ambry Genetics
Classification: Uncertain significance for Primary ciliary dyskinesia. Last evaluated: 2026-08-03. Review status: criteria provided, single submitter. Criteria: Ambry Variant Classification Scheme 2023. Collection method: clinical testing. Allele origin: germline.
Comment: The p.P3594Q variant (also known as c.10781C>A), located in coding exon 66 of the DNAH11 gene, results from a C to A substitution at nucleotide position 10781. The proline at codon 3594 is replaced by glutamine, an amino acid with similar properties. This amino acid position is conserved. In addition, the in silico prediction for this alteration is inconclusive. Based on the available evidence, the clinical significance of this variant remains unclear.

Labcorp Genetics (formerly Invitae), Labcorp
Classification: Uncertain significance for Primary ciliary dyskinesia. Last evaluated: 2024-04-15. Review status: criteria provided, single submitter. Criteria: Invitae Variant Classification Sherloc (09022015). Collection method: clinical testing. Allele origin: germline.
Comment: This sequence change replaces proline, which is neutral and non-polar, with glutamine, which is neutral and polar, at codon 3594 of the DNAH11 protein (p.Pro3594Gln). This variant is present in population databases (no rsID available, gnomAD 0.002%). This variant has not been reported in the literature in individuals affected with DNAH11-related conditions. ClinVar contains an entry for this variant (Variation ID: 2063436). Advanced modeling of protein sequence and biophysical properties (such as structural, functional, and spatial information, amino acid conservation, physicochemical variation, residue mobility, and thermodynamic stability) performed at Invitae indicates that this missense variant is not expected to disrupt DNAH11 protein function with a negative predictive value of 80%. In summary, the available evidence is currently insufficient to determine the role of this variant in disease. Therefore, it has been classified as a Variant of Uncertain Significance.